The following is an entry in ClinVar:

NM_000492.4(CFTR):c.3718-15A>C

Genes: CFTR (CF transmembrane conductance regulator; plus strand), CFTR-AS2 (CFTR antisense RNA 2; minus strand). Cytogenetic location: 7q31.2.
Variant type: single nucleotide variant.
Coding change: c.3718-15A>C on transcript NM_000492.4 (MANE Select); 15 bases into the intron before coding-DNA position 3718, A replaced by C.
Molecular consequence: intron variant.
Genome position (GRCh38, 1-based): chr7:117,642,423, A>C. VCF-style: chr7-117642423-A-C. GRCh37 (hg19) VCF-style: chr7-117282477-A-C.
Identifiers: ClinVar variation 1734250 (VCV001734250.9), dbSNP rs756215375, ClinGen allele CA4451536.

ClinVar aggregate classification (germline): Likely benign. Review status: criteria provided, multiple submitters, no conflicts (2 of 4 stars). 4 submissions from 4 submitters: Likely benign (4). Last evaluated 2026-01-24.

Conditions:
CFTR-related disorder (CFTR-RD). Also called: CFTR-related disorders; CFTR-related condition. Identifiers: MedGen C5924204, MONDO:7770004.
Cystic fibrosis (CF). Also called: MUCOVISCIDOSIS. Identifiers: Orphanet 586, MedGen C0010674, MONDO:0009061, OMIM 219700. Disease mechanism: loss of function.

Allele frequency attached by ClinVar (database versions not stated): gnomAD 0.00001; gnomAD exomes 0.00001; ExAC 0.00002; TOPMed 0.00002.
gnomAD v4.1: 20 of 1,611,776 alleles (0.0012%); highest among the groups gnomAD compares: Non-Finnish European, 0.0016%; no homozygotes.

Submissions (4):

Labcorp Genetics (formerly Invitae), Labcorp
Classification: Likely benign for Cystic fibrosis. Last evaluated: 2026-01-24. Review status: criteria provided, single submitter. Criteria: Invitae Variant Classification Sherloc (09022015). Collection method: clinical testing. Allele origin: germline.

PreventionGenetics, part of Exact Sciences
Classification: Likely benign for CFTR-related condition. Last evaluated: 2025-05-23. Review status: criteria provided, single submitter. Criteria: ACMG Guidelines, 2015. Collection method: clinical testing. Allele origin: germline.
Comment: This variant is classified as likely benign based on ACMG/AMP sequence variant interpretation guidelines (Richards et al. 2015 PMID: 25741868, with internal and published modifications).

ARUP Laboratories, Molecular Genetics and Genomics, ARUP Laboratories
Classification: Likely benign. Last evaluated: 2023-04-21. Review status: criteria provided, single submitter. Criteria: ARUP Molecular Germline Variant Investigation Process 2024. Collection method: clinical testing. Allele origin: germline.

Ambry Genetics
Classification: Likely benign for Cystic fibrosis. Last evaluated: 2022-03-03. Review status: criteria provided, single submitter. Criteria: Ambry Variant Classification Scheme 2023. Collection method: clinical testing. Allele origin: germline.